The following is an entry in ClinVar:

NM_000883.4(IMPDH1):c.1489C>T (p.Arg497Trp)

Gene: IMPDH1 (inosine monophosphate dehydrogenase 1; minus strand). Cytogenetic location: 7q32.1.
Variant type: single nucleotide variant.
Coding change: c.1489C>T on transcript NM_000883.4 (MANE Select); coding-DNA position 1489, C replaced by T.
Protein change: p.Arg497Trp; replaces arginine 497 with tryptophan.
Molecular consequence: missense variant.
Genome position (GRCh38, 1-based): chr7:128,394,950, G>A on the plus strand (C>T on the coding strand, the complement: IMPDH1 is on the minus strand). VCF-style: chr7-128394950-G-A. GRCh37 (hg19) VCF-style: chr7-128035004-G-A.
Other names: c.1459C>T, p.Arg487Trp (NM_001102605.2); c.1234C>T, p.Arg412Trp (NM_001142573.2); c.1219C>T, p.Arg407Trp (NM_001142574.2); c.1159C>T, p.Arg387Trp (NM_001142575.2); c.1390C>T, p.Arg464Trp (NM_001142576.2); c.1282C>T, p.Arg428Trp (NM_001304521.2); c.1381C>T, p.Arg461Trp (NM_183243.3); short protein forms R412W, R461W, R487W, R387W, R407W, R428W, R464W, R497W.
Identifiers: ClinVar variation 767527 (VCV000767527.22), dbSNP rs72624967, ClinGen allele CA4470817.
Genomic context (GRCh38, chr7:128,394,950, plus strand): 5'-TGAAGTATCGTTTCTGGCTGCTGCTGCTCTTCTCCATGGCATCCAGTGAGCCCATGCCCC[G>A]GTACTTCTTGAGCCGCACCCCGTCTGAGAAGAAGTACTCGCCAGGGGCCTCCGTAGTGGC-3'
Protein context (NP_000874.2, residues 487-507): FSDGVRLKKY[Arg497Trp]GMGSLDAMEK

ClinVar aggregate classification (germline): Conflicting classifications of pathogenicity. Review status: criteria provided, conflicting classifications (1 of 4 stars). 5 submissions from 5 submitters: Uncertain significance (1); Benign (2); Likely benign (1). 1 of the submissions does not count toward it. Last evaluated 2025-12-11.

Conditions:
IMPDH1-related disorder. Also called: IMPDH1-related disorders; IMPDH1-related condition.
Retinal dystrophy. Also called: Inherited retinal dystrophy. Identifiers: Orphanet 71862, MedGen C0854723, MeSH D058499, MONDO:0019118, HP:0000556.

Allele frequency attached by ClinVar (database versions not stated): gnomAD exomes 0.00015 and 0.00034; ExAC 0.00037; 1000 Genomes Project 0.00100; ESP Exome Variant Server 0.00131; gnomAD 0.00134 and 0.00147; 1000 Genomes Project 30x 0.00141; TOPMed 0.00151.
gnomAD v4.1: 425 of 1,613,638 alleles (0.026%); highest among the groups gnomAD compares: African/African-American, 0.47%; 6 homozygotes.

Submissions (5):

Labcorp Genetics (formerly Invitae), Labcorp
Classification: Benign. Last evaluated: 2025-12-11. Review status: criteria provided, single submitter. Criteria: Invitae Variant Classification Sherloc (09022015). Collection method: clinical testing. Allele origin: germline.

Blueprint Genetics
Classification: Likely benign. Last evaluated: 2024-11-25. Review status: criteria provided, single submitter. Criteria: ACMG Guidelines, 2015. Collection method: clinical testing. Allele origin: germline.

Dept Of Ophthalmology, Nagoya University
Classification: Benign for Retinal dystrophy. Last evaluated: 2023-10-01. Review status: criteria provided, single submitter. Criteria: Submitter's publication. Collection method: research. Allele origin: germline. Affected: yes.

ARUP Laboratories, Molecular Genetics and Genomics, ARUP Laboratories
Classification: Uncertain significance. Last evaluated: 2018-12-18. Review status: criteria provided, single submitter. Criteria: ARUP Molecular Germline Variant Investigation Process. Collection method: clinical testing. Allele origin: germline.
Comment: The IMPDH1 c.1489C>T; p.Arg497Trp variant (rs72624967), to our knowledge, is not reported in the medical literature or gene-specific databases. The variant is reported in the African population with an allele frequency of 0.5% (121/24928 alleles, including 1 homozygote). The amino acid at this position is highly conserved and computational algorithms (PolyPhen-2, SIFT) predict this variant is deleterious. Although the increased allele frequency indicates the variant may not be clinically significant, there is insufficient evidence to classify the variant with certainty.

PreventionGenetics, part of Exact Sciences
Classification: Benign for IMPDH1-related condition. Last evaluated: 2019-09-23. Review status: no assertion criteria provided. Collection method: clinical testing. Allele origin: germline. Not counted in ClinVar's aggregate classification.
Comment: This variant is classified as benign based on ACMG/AMP sequence variant interpretation guidelines (Richards et al. 2015 PMID: 25741868, with internal and published modifications).